The following is an entry in ClinVar:

NM_004612.4(TGFBR1):c.834G>A (p.Leu278=)

Gene: TGFBR1 (transforming growth factor beta receptor 1; plus strand). Cytogenetic location: 9q22.33.
Variant type: single nucleotide variant.
Coding change: c.834G>A on transcript NM_004612.4 (MANE Select); coding-DNA position 834, G replaced by A.
Protein change: p.Leu278=; no amino-acid change (leucine 278 retained).
Molecular consequence: synonymous variant. On other transcripts: non-coding transcript variant (4), intron variant (2).
Genome position (GRCh38, 1-based): chr9:99,142,564, G>A. VCF-style: chr9-99142564-G-A. GRCh37 (hg19) VCF-style: chr9-101904846-G-A.
Other names: c.603G>A, p.Leu201= (NM_001130916.3, NM_001407435.1); c.846G>A, p.Leu282= (NM_001306210.2); c.639G>A, p.Leu213= (NM_001407418.1, NM_001407419.1, NM_001407420.1 and 1 more transcripts); c.627G>A, p.Leu209= (NM_001407423.1, NM_001407424.1, NM_001407425.1 and 8 more transcripts); c.588G>A, p.Leu196= (NM_001407436.1); c.126G>A, p.Leu42= (NM_001407437.1); c.357G>A, p.Leu119= (NM_001407438.1); c.818-2168G>A (NM_001407416.1); and 1 more.
Identifiers: ClinVar variation 3703835 (VCV003703835.2).

ClinVar aggregate classification (germline): Uncertain significance (1 of 4 stars; one submission).

Conditions:
Familial thoracic aortic aneurysm and aortic dissection (TAAD). Also called: Thoracic aortic aneurysms and dissections. Identifiers: Orphanet 91387, MedGen C4707243, MONDO:0019625.

gnomAD v4.1: 3 of 1,614,020 alleles (0.00019%); highest among the groups gnomAD compares: Non-Finnish European, 0.00025%; no homozygotes.

Submission:

Labcorp Genetics (formerly Invitae), Labcorp
Classification: Uncertain significance for Familial thoracic aortic aneurysm and aortic dissection. Last evaluated: 2024-02-08. Review status: criteria provided, single submitter. Criteria: Invitae Variant Classification Sherloc (09022015). Collection method: clinical testing. Allele origin: germline.
Comment: This sequence change affects codon 278 of the TGFBR1 mRNA. It is a 'silent' change, meaning that it does not change the encoded amino acid sequence of the TGFBR1 protein. This variant is not present in population databases (gnomAD no frequency). This variant has not been reported in the literature in individuals affected with TGFBR1-related conditions. Algorithms developed to predict the effect of sequence changes on RNA splicing suggest that this variant may disrupt the consensus splice site. In summary, the available evidence is currently insufficient to determine the role of this variant in disease. Therefore, it has been classified as a Variant of Uncertain Significance.